The following is an entry in ClinVar:

ClinVar aggregate classification (germline): Uncertain significance (1 of 4 stars; one submission).

Conditions:
Severe combined immunodeficiency due to IKK2 deficiency. Also called: Immunodeficiency 15; IMMUNODEFICIENCY 15B. Identifiers: Orphanet 397787, MedGen C4747743, MONDO:0014267, OMIM 615592.

Submission:

Labcorp Genetics (formerly Invitae), Labcorp
Classification: Uncertain significance for Severe combined immunodeficiency due to IKK2 deficiency. Last evaluated: 2023-03-27. Review status: criteria provided, single submitter. Criteria: Invitae Variant Classification Sherloc (09022015). Collection method: clinical testing. Allele origin: germline.
Comment: This variant has not been reported in the literature in individuals affected with IKBKB-related conditions. An algorithm developed to predict the effect of missense changes on protein structure and function (PolyPhen-2) suggests that this variant is likely to be disruptive. In summary, the available evidence is currently insufficient to determine the role of this variant in disease. Therefore, it has been classified as a Variant of Uncertain Significance. This variant is not present in population databases (gnomAD no frequency). This sequence change replaces leucine, which is neutral and non-polar, with arginine, which is basic and polar, at codon 68 of the IKBKB protein (p.Leu68Arg).

NM_001556.3(IKBKB):c.203T>G (p.Leu68Arg)

Gene: IKBKB (inhibitor of nuclear factor kappa B kinase subunit beta; plus strand). Cytogenetic location: 8p11.21.
Variant type: single nucleotide variant.
Coding change: c.203T>G on transcript NM_001556.3 (MANE Select); coding-DNA position 203, T replaced by G.
Protein change: p.Leu68Arg; replaces leucine 68 with arginine.
Molecular consequence: missense variant. On other transcripts: non-coding transcript variant (3).
Genome position (GRCh38, 1-based): chr8:42,290,158, T>G. VCF-style: chr8-42290158-T-G. GRCh37 (hg19) VCF-style: chr8-42147676-T-G.
Other names: c.11T>G, p.Leu4Arg (NM_001190720.3); c.26T>G, p.Leu9Arg (NM_001242778.2); short protein forms L4R, L68R, L9R.
Identifiers: ClinVar variation 2850303 (VCV002850303.3), dbSNP rs2487292120, ClinGen allele CA371092874.